The following is an entry in ClinVar:

ClinVar aggregate classification (germline): Uncertain significance (1 of 4 stars; one submission).

Conditions:
Hereditary cancer-predisposing syndrome. Also called: Tumor predisposition; Hereditary neoplastic syndrome; Neoplastic Syndromes, Hereditary; Hereditary Cancer Syndrome. Identifiers: Orphanet 140162, MedGen C0027672, MeSH D009386, MONDO:0015356.

Submission:

Ambry Genetics
Classification: Uncertain significance for Hereditary cancer-predisposing syndrome. Last evaluated: 2024-09-12. Review status: criteria provided, single submitter. Criteria: Ambry Variant Classification Scheme 2023. Collection method: clinical testing. Allele origin: germline.
Comment: The c.144+4C>G intronic variant results from a C to G substitution 4 nucleotides after coding exon 1 in the DICER1 gene. This nucleotide position is highly conserved in available vertebrate species. In silico splice site analysis predicts that this alteration will not have any significant effect on splicing. Based on the available evidence, the clinical significance of this variant remains unclear.

NM_177438.3(DICER1):c.144+4C>G

Gene: DICER1 (dicer 1, ribonuclease III; minus strand). Cytogenetic location: 14q32.13.
Variant type: single nucleotide variant.
Coding change: c.144+4C>G on transcript NM_177438.3 (MANE Select); 4 bases into the intron after coding-DNA position 144, C replaced by G.
Molecular consequence: intron variant.
Genome position (GRCh38, 1-based): chr14:95,133,311, G>C on the plus strand (C>G on the coding strand, the complement: DICER1 is on the minus strand). VCF-style: chr14-95133311-G-C. GRCh37 (hg19) VCF-style: chr14-95599648-G-C.
Other names: c.144+4C>G (NM_001291628.2, NM_030621.4, NM_001271282.3 and 1 more transcripts).
Identifiers: ClinVar variation 819222 (VCV000819222.5), dbSNP rs1595468482, ClinGen allele CA915946432.